The following is an entry in ClinVar:

NM_001277115.2(DNAH11):c.11693A>G (p.Asn3898Ser)

Gene: DNAH11 (dynein axonemal heavy chain 11; plus strand). Cytogenetic location: 7p15.3.
Variant type: single nucleotide variant.
Coding change: c.11693A>G on transcript NM_001277115.2 (MANE Select); coding-DNA position 11693, A replaced by G.
Protein change: p.Asn3898Ser; replaces asparagine 3898 with serine.
Molecular consequence: missense variant.
Genome position (GRCh38, 1-based): chr7:21,867,861, A>G. VCF-style: chr7-21867861-A-G. GRCh37 (hg19) VCF-style: chr7-21907479-A-G.
Other names: c.11714A>G, p.Asn3905Ser (NM_003777.3); short protein forms N3898S, N3905S.
Identifiers: ClinVar variation 1956649 (VCV001956649.5), dbSNP rs547168550, ClinGen allele CA155141691.

ClinVar aggregate classification (germline): Uncertain significance (1 of 4 stars; one submission).

Conditions:
Primary ciliary dyskinesia. Also called: Ciliary dyskinesia. Identifiers: Orphanet 244, MedGen C0008780, MONDO:0016575, HP:0012265.

Allele frequency attached by ClinVar (database versions not stated): TOPMed below 0.00001; gnomAD 0.00001; gnomAD exomes 0.00001; 1000 Genomes Project 30x 0.00016; 1000 Genomes Project 0.00020.
gnomAD v4.1: 7 of 1,567,356 alleles (0.00045%); highest among the groups gnomAD compares: African/African-American, 0.0014%; no homozygotes.

Submission:

Labcorp Genetics (formerly Invitae), Labcorp
Classification: Uncertain significance for Primary ciliary dyskinesia. Last evaluated: 2024-09-20. Review status: criteria provided, single submitter. Criteria: Invitae Variant Classification Sherloc (09022015). Collection method: clinical testing. Allele origin: germline.
Comment: This sequence change replaces asparagine, which is neutral and polar, with serine, which is neutral and polar, at codon 3898 of the DNAH11 protein (p.Asn3898Ser). This variant is not present in population databases (gnomAD no frequency). This variant has not been reported in the literature in individuals affected with DNAH11-related conditions. ClinVar contains an entry for this variant (Variation ID: 1956649). An algorithm developed to predict the effect of missense changes on protein structure and function (PolyPhen-2) suggests that this variant is likely to be tolerated. In summary, the available evidence is currently insufficient to determine the role of this variant in disease. Therefore, it has been classified as a Variant of Uncertain Significance.